The following is an entry in ClinVar:

ClinVar aggregate classification (germline): Pathogenic (1 of 4 stars; one submission).

Conditions:
Hereditary cancer-predisposing syndrome. Also called: Neoplastic Syndromes, Hereditary; Tumor predisposition; Hereditary neoplastic syndrome; Hereditary Cancer Syndrome. Identifiers: Orphanet 140162, MedGen C0027672, MeSH D009386, MONDO:0015356.

Submission:

Ambry Genetics
Classification: Pathogenic for Hereditary cancer-predisposing syndrome. Last evaluated: 2023-01-24. Review status: criteria provided, single submitter. Criteria: Ambry Variant Classification Scheme 2023. Collection method: clinical testing. Allele origin: germline.
Comment: The c.3701_3704dupAACT pathogenic mutation, located in coding exon 8 of the MSH6 gene, results from a duplication of AACT at nucleotide position 3701, causing a translational frameshift with a predicted alternate stop codon (p.A1236Tfs*3). This variant is considered to be rare based on population cohorts in the Genome Aggregation Database (gnomAD). This alteration is expected to result in loss of function by premature protein truncation or nonsense-mediated mRNA decay. As such, this alteration is interpreted as a disease-causing mutation.

NM_000179.3(MSH6):c.3701_3704dup (p.Ala1236fs)

Gene: MSH6 (mutS homolog 6; plus strand). Cytogenetic location: 2p16.3.
Variant type: Duplication.
Coding change: c.3701_3704dup on transcript NM_000179.3 (MANE Select); coding-DNA positions 3701 to 3704, 4 bases duplicated (AACT; older notation c.3701_3704dupAACT).
Protein change: p.Ala1236fs; shifts the reading frame from alanine 1236.
Molecular consequence: frameshift variant. On other transcripts: non-coding transcript variant (5).
Genome position (GRCh38, 1-based): chr2:47,806,258-47,806,261, AACT duplicated. VCF-style (leftmost placement, unchanged base first): chr2-47806257-G-GAACT. GRCh37 (hg19) VCF-style: chr2-48033396-G-GAACT.
Other names: c.3311_3314dup, p.Ala1106fs (NM_001281492.2); c.2795_2798dup, p.Ala934fs (NM_001281493.2, NM_001281494.2, NM_001406811.1 and 6 more transcripts); c.3797_3800dup, p.Ala1268fs (NM_001406795.1, NM_001406802.1); c.3701_3704dup, p.Ala1236fs (NM_001406796.1, NM_001406800.1, NM_001406808.1 and 1 more transcripts); c.3404_3407dup, p.Ala1137fs (NM_001406797.1, NM_001406801.1, NM_001406805.1 and 10 more transcripts); c.3527_3530dup, p.Ala1178fs (NM_001406798.1); c.3176_3179dup, p.Ala1061fs (NM_001406799.1, NM_001406806.1, NM_001406807.1); c.2837_2840dup, p.Ala948fs (NM_001406803.1); and 8 more; short protein forms A1180fs, A163fs, A551fs, A1061fs, A1210fs, A185fs, A714fs, A934fs.
Identifiers: ClinVar variation 2453193 (VCV002453193.2), dbSNP rs2530841014, ClinGen allele CA2580067292.
Genomic context (GRCh38, chr2:47,806,257, plus strand): 5'-TTAACAGGAAGAGGTACTGCAACATTTGATGGGACGGCAATAGCAAATGCAGTTGTTAAA[G>GAACT]AACTTGCTGAGACTATAAAATGTCGTACATTATTTTCAACTCACTACCATTCATTAGTAG-3'